The following is an entry in ClinVar:

ClinVar aggregate classification (germline): Pathogenic. Review status: criteria provided, multiple submitters, no conflicts (2 of 4 stars). 5 submissions from 5 submitters: Pathogenic (5). Last evaluated 2024-10-11.

Conditions:
Epidermolysis bullosa dystrophica. Also called: Dystrophic epidermolysis bullosa, Hallopeau-Siemens type (formerly); Dystrophic epidermolysis bullosa. Identifiers: Orphanet 303, MedGen C0079294, MONDO:0006543.
Recessive dystrophic epidermolysis bullosa (RDEB). Also called: Hallopeau-Siemens Disease; DYSTROPHIC EPIDERMOLYSIS BULLOSA, AUTOSOMAL RECESSIVE; EPIDERMOLYSIS BULLOSA DYSTROPHICA, HALLOPEAU-SIEMENS TYPE; EPIDERMOLYSIS BULLOSA DYSTROPHICA, GENERALIZED SEVERE, AUTOSOMAL RECESSIVE; epidermolysis bullosa dystrophica, autosomal recessive; Recessive DEB (RDEB). Identifiers: Orphanet 79408, Orphanet 79409, MedGen C0079474, MONDO:0009179, OMIM 226600.

gnomAD v4.1: 6 of 1,614,010 alleles (0.00037%); highest among the groups gnomAD compares: Non-Finnish European, 0.00051%; no homozygotes.

Submissions (5):

Women's Health and Genetics/Laboratory Corporation of America, LabCorp
Classification: Pathogenic for Dystrophic Epidermolysis Bullosa, Recessive. Last evaluated: 2024-10-11. Review status: criteria provided, single submitter. Criteria: LabCorp Variant Classification Summary - May 2015. Collection method: clinical testing. Allele origin: germline.
Comment: Variant summary: COL7A1 c.6647G>A (p.Gly2216Glu) results in a non-conservative amino acid change of a glycine in the Gly-X-Y triple helical domain, which is a functionally critical domain. Five of five in-silico tools predict a damaging effect of the variant on protein function. The variant allele was found at a frequency of 1.2e-05 in 250668 control chromosomes. c.6647G>A has been reported in the literature in the compound heterozygous state in individuals affected with Dystrophic Epidermolysis Bullosa, Recessive (Rossi_2021, Natale_2022). These data indicate that the variant may be associated with disease. The following publications have been ascertained in the context of this evaluation (PMID: 35979658, 33274474). ClinVar contains an entry for this variant (Variation ID: 1676628). Another variant affecting this codon (p.Gly2216Glu) has been reported (HGMD database). Based on the evidence outlined above, the variant was classified as pathogenic.

Natera, Inc.
Classification: Pathogenic for Dystrophic epidermolysis bullosa. Last evaluated: 2024-03-11. Review status: criteria provided, single submitter. Criteria: Natera Variant Classification Schema (03/2026). Collection method: clinical testing. Allele origin: germline.
Comment: The c.6647G>A variant in COL7A1 is a missense variant predicted to cause substitution of glycine to glutamic acid at amino acid 2216. This variant is rare in the general population with a frequency below the threshold expected for the associated phenotype(s). This variant has been observed in one or more individuals affected with the associated recessive disease, as either homozygous or compound heterozygous with a second variant (PMID: 33274474). Given the available evidence, this variant is classified as Pathogenic.

Labcorp Genetics (formerly Invitae), Labcorp
Classification: Pathogenic. Last evaluated: 2024-02-29. Review status: criteria provided, single submitter. Criteria: Invitae Variant Classification Sherloc (09022015). Collection method: clinical testing. Allele origin: germline.
Comment: This sequence change replaces glycine, which is neutral and non-polar, with glutamic acid, which is acidic and polar, at codon 2216 of the COL7A1 protein (p.Gly2216Glu). This variant is present in population databases (rs781720055, gnomAD 0.003%). This missense change has been observed in individual(s) with autosomal recessive COL7A1-related conditions (PMID: 26864810, 33274474). ClinVar contains an entry for this variant (Variation ID: 1676628). Advanced modeling of protein sequence and biophysical properties (such as structural, functional, and spatial information, amino acid conservation, physicochemical variation, residue mobility, and thermodynamic stability) performed at Invitae indicates that this missense variant is expected to disrupt COL7A1 protein function with a positive predictive value of 95%. For these reasons, this variant has been classified as Pathogenic.

GeneDx
Classification: Pathogenic. Last evaluated: 2022-11-09. Review status: criteria provided, single submitter. Criteria: GeneDx Variant Classification Process June 2021. Collection method: clinical testing. Allele origin: germline. Affected: yes.
Comment: Located in the highly conserved Gly-X-Y repeat of the collagenous domain; Glycine substitution variants in this region of the COLVII protein destabilize the collagen triple helix resulting in skin fragility due to poor anchoring of the basement membrane to the underlying dermis (Pfendner and Lucky, 2018); Not observed at significant frequency in large population cohorts (gnomAD); In silico analysis supports that this missense variant does not alter protein structure/function; This variant is associated with the following publications: (PMID: 32542816, 26864810, 33274474)

Center for Research in Genodermatoses and Epidermolysis Bullosa, University of Buenos Aires
Classification: Pathogenic for Recessive dystrophic epidermolysis bullosa. Last evaluated: 2022-03-14. Review status: criteria provided, single submitter. Criteria: ACMG Guidelines, 2015. Collection method: clinical testing. Allele origin: maternal. Affected: yes. Observed: 1 variant allele, 1 compound heterozygote.

Literature cited by the submitters: PubMed 33274474 (cited by 3 submitters); PubMed 35979658 (cited by Women's Health and Genetics/Laboratory Corporation of America, LabCorp and Center for Research in Genodermatoses and Epidermolysis Bullosa, University of Buenos Aires); PubMed 26864810 (cited by Labcorp Genetics (formerly Invitae), Labcorp); PubMed 22058051 (cited by Center for Research in Genodermatoses and Epidermolysis Bullosa, University of Buenos Aires).

NM_000094.4(COL7A1):c.6647G>A (p.Gly2216Glu)

Gene: COL7A1 (collagen type VII alpha 1 chain; minus strand). Cytogenetic location: 3p21.31.
Variant type: single nucleotide variant.
Coding change: c.6647G>A on transcript NM_000094.4 (MANE Select); coding-DNA position 6647, G replaced by A.
Protein change: p.Gly2216Glu; replaces glycine 2216 with glutamic acid.
Molecular consequence: missense variant.
Genome position (GRCh38, 1-based): chr3:48,573,320, C>T on the plus strand (G>A on the coding strand, the complement: COL7A1 is on the minus strand). VCF-style: chr3-48573320-C-T. GRCh37 (hg19) VCF-style: chr3-48610753-C-T.
Other names: short protein forms G2216E.
Identifiers: ClinVar variation 1676628 (VCV001676628.9), dbSNP rs781720055, ClinGen allele CA2378902.